The following is an entry in ClinVar:

ClinVar aggregate classification (germline): Uncertain significance (1 of 4 stars; one submission).

Conditions:
Pigmentary pallidal degeneration (NBIA1). Also called: Neurodegeneration with brain iron accumulation 1; HARP SYNDROME; PKAN NEUROAXONAL DYSTROPHY, JUVENILE-ONSET; Pantothenate Kinase-Associated Neurodegeneration; Neuroaxonal dystrophy, late infantile; Hallervorden-Spatz disease. Identifiers: Orphanet 157850, MedGen C0018523, MONDO:0009319, OMIM 234200.

Allele frequency attached by ClinVar (database versions not stated): TOPMed 0.00002; ExAC 0.00007; gnomAD exomes 0.00001; gnomAD 0.00002.
gnomAD v4.1: 12 of 1,548,648 alleles (0.00077%); highest among the groups gnomAD compares: East Asian, 0.022%; no homozygotes.

Submission:

Labcorp Genetics (formerly Invitae), Labcorp
Classification: Uncertain significance for Pigmentary pallidal degeneration. Last evaluated: 2025-01-16. Review status: criteria provided, single submitter. Criteria: Invitae Variant Classification Sherloc (09022015). Collection method: clinical testing. Allele origin: germline.
Comment: This sequence change replaces glycine, which is neutral and non-polar, with glutamic acid, which is acidic and polar, at codon 5 of the PANK2 protein (p.Gly5Glu). This variant is present in population databases (rs748405977, gnomAD 0.03%). This missense change has been observed in individual(s) with parkinson (PMID: 35861376). ClinVar contains an entry for this variant (Variation ID: 2201465). Invitae Evidence Modeling of protein sequence and biophysical properties (such as structural, functional, and spatial information, amino acid conservation, physicochemical variation, residue mobility, and thermodynamic stability) indicates that this missense variant is not expected to disrupt PANK2 protein function with a negative predictive value of 95%. In summary, the available evidence is currently insufficient to determine the role of this variant in disease. Therefore, it has been classified as a Variant of Uncertain Significance.

Literature cited by the submitters: PubMed 35861376.

NM_153638.4(PANK2):c.14G>A (p.Gly5Glu)

Genes: PANK2 (pantothenate kinase 2; plus strand), PANK2-AS1 (PANK2 antisense RNA 1; minus strand). Cytogenetic location: 20p13.
Variant type: single nucleotide variant.
Coding change: c.14G>A on transcript NM_153638.4; coding-DNA position 14, G replaced by A.
Protein change: p.Gly5Glu; replaces glycine 5 with glutamic acid.
Molecular consequence: missense variant. On other transcripts: intron variant (1).
Genome position (GRCh38, 1-based): chr20:3,889,114, G>A. VCF-style: chr20-3889114-G-A. GRCh37 (hg19) VCF-style: chr20-3869761-G-A.
Other names: c.14G>A, p.Gly5Glu (NM_001324192.1); c.-246+210G>A (NM_024960.6); short protein forms G5E.
Identifiers: ClinVar variation 2201465 (VCV002201465.2), dbSNP rs748405977, ClinGen allele CA9750455.